The following is an entry in ClinVar:

NC_000001.11:g.(?_42929853)_(42931226_?)del

Gene: SLC2A1 (solute carrier family 2 member 1; minus strand). Cytogenetic location: 1p34.2.
Variant type: Deletion.
Identifiers: ClinVar variation 538688 (VCV000538688.5).

ClinVar aggregate classification (germline): Pathogenic (1 of 4 stars; one submission).

Conditions:
GLUT1 deficiency syndrome 1, autosomal recessive. Identifiers: MedGen C3149117.

Submission:

Labcorp Genetics (formerly Invitae), Labcorp
Classification: Pathogenic for GLUT1 deficiency syndrome 1, autosomal recessive. Last evaluated: 2017-09-03. Review status: criteria provided, single submitter. Criteria: Invitae Variant Classification Sherloc (09022015). Collection method: clinical testing. Allele origin: germline.
Comment: For these reasons, this variant has been classified as Pathogenic. Loss-of-function variants in SLC2A1 are known to be pathogenic (PMID: 21832227, 26193382). This variant has not been reported in the literature in individuals with SLC2A1-related disease. This variant is an out-of-frame deletion of the genomic region encompassing exons 3-5 of the SLC2A1 gene. This is expected to create a premature translational stop signal and result in an absent or disrupted protein product.

Literature cited by the submitters: PubMed 21832227; PubMed 26193382.